The following is an entry in ClinVar:

NM_001797.4(CDH11):c.644-5T>G

Gene: CDH11 (cadherin 11; minus strand). Cytogenetic location: 16q21.
Variant type: single nucleotide variant.
Coding change: c.644-5T>G on transcript NM_001797.4 (MANE Select); 5 bases into the intron before coding-DNA position 644, T replaced by G.
Molecular consequence: intron variant.
Genome position (GRCh38, 1-based): chr16:64,991,940, A>C on the plus strand (T>G on the coding strand, the complement: CDH11 is on the minus strand). VCF-style: chr16-64991940-A-C. GRCh37 (hg19) VCF-style: chr16-65025843-A-C.
Other names: c.266-5T>G (NM_001330576.2); c.644-5T>G (NM_001308392.2).
Identifiers: ClinVar variation 2646592 (VCV002646592.24), dbSNP rs2506864900, ClinGen allele CA2633633064.
Genomic context (GRCh38, chr16:64,991,940, plus strand): 5'-GTGGTACTCCTCCTTGGCCTCCCTGTCCATGTTGGGTAGGGCTGTTCTGATGATACCTGG[A>C]CAGGTAAGCAGGCAACATCACAGATATTCGTTTATAACATTATGACAACAAGAAAGTTCT-3'

ClinVar aggregate classification (germline): Uncertain significance (1 of 4 stars; one submission).

Submission:

CeGaT Center for Human Genetics Tuebingen
Classification: Uncertain significance. Last evaluated: 2023-09-01. Review status: criteria provided, single submitter. Criteria: CeGaT Center For Human Genetics Tuebingen Variant Classification Criteria Version 2. Collection method: clinical testing. Allele origin: germline. Affected: yes. Observed: 1 variant allele.
Comment: CDH11: PM2, BP4